The following is an entry in ClinVar:

ClinVar aggregate classification (germline): Uncertain significance. Review status: criteria provided, multiple submitters, no conflicts (2 of 4 stars). 2 submissions from 2 submitters: Uncertain significance (2). Last evaluated 2022-06-27.

Conditions:
Inborn genetic diseases. Identifiers: MedGen C0950123, MeSH D030342.
Mendelian susceptibility to mycobacterial diseases due to complete IL12RB1 deficiency. Also called: Immunodeficiency 30; IL12RB1 DEFICIENCY. Identifiers: Orphanet 319552, MedGen C4013949, MONDO:0013955, OMIM 614891.

Allele frequency attached by ClinVar (database versions not stated): TOPMed 0.00002; gnomAD 0.00001.
gnomAD v4.1: 21 of 1,422,960 alleles (0.0015%); highest among the groups gnomAD compares: Middle Eastern, 0.018%; no homozygotes.

Submissions (2):

Labcorp Genetics (formerly Invitae), Labcorp
Classification: Uncertain significance for Mendelian susceptibility to mycobacterial diseases due to complete IL12RB1 deficiency. Last evaluated: 2022-06-27. Review status: criteria provided, single submitter. Criteria: Invitae Variant Classification Sherloc (09022015). Collection method: clinical testing. Allele origin: germline.
Comment: This sequence change replaces glycine, which is neutral and non-polar, with arginine, which is basic and polar, at codon 187 of the IL12RB1 protein (p.Gly187Arg). This variant is present in population databases (rs564884307, gnomAD 0.03%). This variant has not been reported in the literature in individuals affected with IL12RB1-related conditions. ClinVar contains an entry for this variant (Variation ID: 639105). Algorithms developed to predict the effect of missense changes on protein structure and function (SIFT, PolyPhen-2, Align-GVGD) all suggest that this variant is likely to be tolerated. In summary, the available evidence is currently insufficient to determine the role of this variant in disease. Therefore, it has been classified as a Variant of Uncertain Significance.

Ambry Genetics
Classification: Uncertain significance for Inborn genetic diseases. Last evaluated: 2021-08-10. Review status: criteria provided, single submitter. Criteria: Ambry Variant Classification Scheme 2023. Collection method: clinical testing. Allele origin: germline.

NM_005535.3(IL12RB1):c.559G>A (p.Gly187Arg)

Gene: IL12RB1 (interleukin 12 receptor subunit beta 1; minus strand). Cytogenetic location: 19p13.11.
Variant type: single nucleotide variant.
Coding change: c.559G>A on transcript NM_005535.3 (MANE Select); coding-DNA position 559, G replaced by A.
Protein change: p.Gly187Arg; replaces glycine 187 with arginine.
Molecular consequence: missense variant.
Genome position (GRCh38, 1-based): chr19:18,076,318, C>T on the plus strand (G>A on the coding strand, the complement: IL12RB1 is on the minus strand). VCF-style: chr19-18076318-C-T. GRCh37 (hg19) VCF-style: chr19-18187128-C-T.
Other names: c.559G>A, p.Gly187Arg (NM_153701.3, NM_001290023.2); c.679G>A, p.Gly227Arg (NM_001290024.2); short protein forms G187R, G227R.
Identifiers: ClinVar variation 639105 (VCV000639105.6), dbSNP rs564884307, ClinGen allele CA9305167.